The following is an entry in ClinVar:

NM_001365276.2(TNXB):c.10127C>T (p.Thr3376Met)

Gene: TNXB (tenascin XB; minus strand). Cytogenetic location: 6p21.33.
Variant type: single nucleotide variant.
Coding change: c.10127C>T on transcript NM_001365276.2 (MANE Select); coding-DNA position 10127, C replaced by T.
Protein change: p.Thr3376Met; replaces threonine 3376 with methionine.
Molecular consequence: missense variant.
Genome position (GRCh38, 1-based): chr6:32,047,931, G>A on the plus strand (C>T on the coding strand, the complement: TNXB is on the minus strand). VCF-style: chr6-32047931-G-A. GRCh37 (hg19) VCF-style: chr6-32015708-G-A.
Other names: c.10121C>T, p.Thr3374Met (NM_019105.8); short protein forms T3374M, T3376M.
Identifiers: ClinVar variation 1707826 (VCV001707826.6), dbSNP rs528798030, ClinGen allele CA3733299.

ClinVar aggregate classification (germline): Uncertain significance. Review status: criteria provided, multiple submitters, no conflicts (2 of 4 stars). 2 submissions from 2 submitters: Uncertain significance (2). Last evaluated 2025-09-25.

Conditions:
Cardiovascular phenotype. Identifiers: MedGen CN230736.

Allele frequency attached by ClinVar (database versions not stated): ExAC 0.00001; 1000 Genomes Project 30x 0.00016; gnomAD 0.00001; TOPMed 0.00002; 1000 Genomes Project 0.00020.

Submissions (2):

Ambry Genetics
Classification: Uncertain significance for Cardiovascular phenotype. Last evaluated: 2025-09-25. Review status: criteria provided, single submitter. Criteria: Ambry Variant Classification Scheme 2023. Collection method: clinical testing. Allele origin: germline.

GeneDx
Classification: Uncertain significance. Last evaluated: 2024-06-12. Review status: criteria provided, single submitter. Criteria: GeneDx Variant Classification Process June 2021. Collection method: clinical testing. Allele origin: germline.
Comment: Has not been previously published as pathogenic or benign to our knowledge; Not observed at significant frequency in large population cohorts (gnomAD); In silico analysis supports that this missense variant has a deleterious effect on protein structure/function